The following is an entry in ClinVar:

NM_013275.6(ANKRD11):c.1359A>T (p.Lys453Asn)

Gene: ANKRD11 (ankyrin repeat domain 11; minus strand). Cytogenetic location: 16q24.3.
Variant type: single nucleotide variant.
Coding change: c.1359A>T on transcript NM_013275.6 (MANE Select); coding-DNA position 1359, A replaced by T.
Protein change: p.Lys453Asn; replaces lysine 453 with asparagine.
Molecular consequence: missense variant.
Genome position (GRCh38, 1-based): chr16:89,285,183, T>A on the plus strand (A>T on the coding strand, the complement: ANKRD11 is on the minus strand). VCF-style: chr16-89285183-T-A. GRCh37 (hg19) VCF-style: chr16-89351591-T-A.
Other names: c.1359A>T, p.Lys453Asn (NM_001256182.2, NM_001256183.2); short protein forms K453N.
Identifiers: ClinVar variation 5020009 (VCV005020009.2).
Genomic context (GRCh38, chr16:89,285,183, plus strand): 5'-GCTCCGCTTTCCGAAGCGAACCTCTCTGCCTTTTGTTTCTTTCTTTCGCTTCTTTTTCAC[T>A]TTATTTTTTTCCTTCTGCTGCTTGGCATTAGAAGGCTCTCGTGTCTTACTACCAGGCAAT-3'
Protein context (NP_037407.4, residues 443-463): SNAKQQKEKN[Lys453Asn]VKKKRKKETK

ClinVar aggregate classification (germline): Uncertain significance (1 of 4 stars; one submission).

Conditions:
KBG syndrome (KBGS). Also called: ANKRD11-Related KBG Syndrome. Identifiers: Orphanet 2332, MedGen C0220687, MONDO:0007846, OMIM 148050.

Submission:

Juno Genomics, Hangzhou Juno Genomics, Inc
Classification: Uncertain significance for KBG syndrome. Review status: criteria provided, single submitter. Criteria: ACMG Guidelines, 2015. Collection method: clinical testing. Allele origin: germline.
Comment: Absent from controls (or at extremely low frequency if recessive) in Genome Aggregation Database.